The following is an entry in ClinVar:

ClinVar aggregate classification (germline): Conflicting classifications of pathogenicity. Review status: criteria provided, conflicting classifications (1 of 4 stars). 6 submissions from 6 submitters: Uncertain significance (2); Benign (1); Likely benign (2). 1 of the submissions does not count toward it. Last evaluated 2025-12-17.

Conditions:
OTOG-related disorder. Also called: OTOG-related condition.
Autosomal recessive nonsyndromic hearing loss 18B. Also called: Deafness, autosomal recessive 18b. Identifiers: Orphanet 90636, MedGen C3554163, MONDO:0013985, OMIM 614945.

Allele frequency attached by ClinVar (database versions not stated): gnomAD exomes 0.00020 and 0.00040; ExAC 0.00034; 1000 Genomes Project 0.00140; 1000 Genomes Project 30x 0.00141; gnomAD 0.00190 and 0.00210; TOPMed 0.00220.
gnomAD v4.1: 576 of 1,551,138 alleles (0.037%); highest among the groups gnomAD compares: African/African-American, 0.73%; 7 homozygotes.

Submissions (6):

Labcorp Genetics (formerly Invitae), Labcorp
Classification: Benign. Last evaluated: 2025-12-17. Review status: criteria provided, single submitter. Criteria: Invitae Variant Classification Sherloc (09022015). Collection method: clinical testing. Allele origin: germline.

Blueprint Genetics
Classification: Likely benign. Last evaluated: 2023-07-11. Review status: criteria provided, single submitter. Criteria: ACMG Guidelines, 2015. Collection method: clinical testing. Allele origin: germline.

New York Genome Center
Classification: Uncertain significance for Autosomal recessive nonsyndromic hearing loss 18B. Last evaluated: 2021-12-22. Review status: criteria provided, single submitter. Criteria: NYGC Assertion Criteria 2020. Collection method: clinical testing. Allele origin: inherited. Observed: 1 heterozygote. Study: CSER-NYCKidSeq.

GeneDx
Classification: Likely benign. Last evaluated: 2021-03-25. Review status: criteria provided, single submitter. Criteria: GeneDx Variant Classification Process June 2021. Collection method: clinical testing. Allele origin: germline. Affected: yes.

Genomic Diagnostic Laboratory, Division of Genomic Diagnostics, Children's Hospital of Philadelphia
Classification: Uncertain significance. Last evaluated: 2015-11-30. Review status: criteria provided, single submitter. Criteria: DGD Variant Analysis Guidelines. Collection method: clinical testing. Allele origin: unknown.

PreventionGenetics, part of Exact Sciences
Classification: Benign for OTOG-related condition. Last evaluated: 2019-11-11. Review status: no assertion criteria provided. Collection method: clinical testing. Allele origin: germline. Not counted in ClinVar's aggregate classification.
Comment: This variant is classified as benign based on ACMG/AMP sequence variant interpretation guidelines (Richards et al. 2015 PMID: 25741868, with internal and published modifications).

NM_001292063.2(OTOG):c.7009G>C (p.Val2337Leu)

Gene: OTOG (otogelin; plus strand). Cytogenetic location: 11p15.1.
Variant type: single nucleotide variant.
Coding change: c.7009G>C on transcript NM_001292063.2 (MANE Select); coding-DNA position 7009, G replaced by C.
Protein change: p.Val2337Leu; replaces valine 2337 with leucine.
Molecular consequence: missense variant.
Genome position (GRCh38, 1-based): chr11:17,632,163, G>C. VCF-style: chr11-17632163-G-C. GRCh37 (hg19) VCF-style: chr11-17653710-G-C.
Other names: c.7045G>C, p.Val2349Leu (NM_001277269.2); short protein forms V2349L, V2337L.
Identifiers: ClinVar variation 252585 (VCV000252585.19), dbSNP rs540794663, ClinGen allele CA5906083.